The following is an entry in ClinVar:

NM_001378964.1(CDON):c.2546A>C (p.Tyr849Ser)

Gene: CDON (cell adhesion associated, oncogene regulated; minus strand). Cytogenetic location: 11q24.2.
Variant type: single nucleotide variant.
Coding change: c.2546A>C on transcript NM_001378964.1 (MANE Select); coding-DNA position 2546, A replaced by C.
Protein change: p.Tyr849Ser; replaces tyrosine 849 with serine.
Molecular consequence: missense variant.
Genome position (GRCh38, 1-based): chr11:125,994,388, T>G on the plus strand (A>C on the coding strand, the complement: CDON is on the minus strand). VCF-style: chr11-125994388-T-G. GRCh37 (hg19) VCF-style: chr11-125864283-T-G.
Other names: c.2546A>C, p.Tyr849Ser (NM_001243597.3, NM_016952.6); short protein forms Y849S.
Identifiers: ClinVar variation 1911819 (VCV001911819.5), dbSNP rs752311033, ClinGen allele CA6351678.
Genomic context (GRCh38, chr11:125,994,388, plus strand): 5'-GTTGGTCGGTAATAGATATAAAATCCTTGAATGGGAGTGTTATTGTTACTTGATGGAATG[T>G]ACTAAAAAACAGAAGCAAAGACTTGTCAAAGAGAAAAATTAATGTAACCTTCTCATTCAT-3'
Protein context (NP_001365893.1, residues 839-859): SDTQIMLKWT[Tyr849Ser]IPSSNNNTPI

ClinVar aggregate classification (germline): Uncertain significance (1 of 4 stars; one submission).

Conditions:
Holoprosencephaly 11 (HPE11). Identifiers: Orphanet 2162, MedGen C3280215, MONDO:0013642, OMIM 614226.

Allele frequency attached by ClinVar (database versions not stated): ExAC 0.00002.
gnomAD v4.1: 5 of 1,503,792 alleles (0.00033%); highest among the groups gnomAD compares: Non-Finnish European, 0.00046%; no homozygotes.

Submission:

Labcorp Genetics (formerly Invitae), Labcorp
Classification: Uncertain significance for Holoprosencephaly 11. Last evaluated: 2024-02-23. Review status: criteria provided, single submitter. Criteria: Invitae Variant Classification Sherloc (09022015). Collection method: clinical testing. Allele origin: germline.
Comment: This sequence change replaces tyrosine, which is neutral and polar, with serine, which is neutral and polar, at codon 849 of the CDON protein (p.Tyr849Ser). This variant is present in population databases (rs752311033, gnomAD 0.003%). This variant has not been reported in the literature in individuals affected with CDON-related conditions. ClinVar contains an entry for this variant (Variation ID: 1911819). An algorithm developed to predict the effect of missense changes on protein structure and function (PolyPhen-2) suggests that this variant is likely to be disruptive. In summary, the available evidence is currently insufficient to determine the role of this variant in disease. Therefore, it has been classified as a Variant of Uncertain Significance.